The following is an entry in ClinVar:

NM_001041.4(SI):c.3513T>A (p.Asn1171Lys)

Gene: SI (sucrase-isomaltase; minus strand). Cytogenetic location: 3q26.1.
Variant type: single nucleotide variant.
Coding change: c.3513T>A on transcript NM_001041.4 (MANE Select); coding-DNA position 3513, T replaced by A.
Protein change: p.Asn1171Lys; replaces asparagine 1171 with lysine.
Molecular consequence: missense variant.
Genome position (GRCh38, 1-based): chr3:165,017,977, A>T on the plus strand (T>A on the coding strand, the complement: SI is on the minus strand). VCF-style: chr3-165017977-A-T. GRCh37 (hg19) VCF-style: chr3-164735765-A-T.
Other names: short protein forms N1171K.
Identifiers: ClinVar variation 1374557 (VCV001374557.8), dbSNP rs2108176032, ClinGen allele CA355038529.

ClinVar aggregate classification (germline): Uncertain significance (1 of 4 stars; one submission).

Submission:

Labcorp Genetics (formerly Invitae), Labcorp
Classification: Uncertain significance. Last evaluated: 2022-08-16. Review status: criteria provided, single submitter. Criteria: Invitae Variant Classification Sherloc (09022015). Collection method: clinical testing. Allele origin: germline.
Comment: This variant is not present in population databases (gnomAD no frequency). This sequence change replaces asparagine, which is neutral and polar, with lysine, which is basic and polar, at codon 1171 of the SI protein (p.Asn1171Lys). This variant has not been reported in the literature in individuals affected with SI-related conditions. In summary, the available evidence is currently insufficient to determine the role of this variant in disease. Therefore, it has been classified as a Variant of Uncertain Significance. Advanced modeling of protein sequence and biophysical properties (such as structural, functional, and spatial information, amino acid conservation, physicochemical variation, residue mobility, and thermodynamic stability) performed at Invitae indicates that this missense variant is expected to disrupt SI protein function. ClinVar contains an entry for this variant (Variation ID: 1374557).